The following is an entry in ClinVar:

NM_002617.4(PEX10):c.817T>C (p.Cys273Arg)

Gene: PEX10 (peroxisomal biogenesis factor 10; minus strand). Cytogenetic location: 1p36.32.
Variant type: single nucleotide variant.
Coding change: c.817T>C on transcript NM_002617.4 (MANE Select); coding-DNA position 817, T replaced by C.
Protein change: p.Cys273Arg; replaces cysteine 273 with arginine.
Molecular consequence: missense variant. On other transcripts: non-coding transcript variant (1).
Genome position (GRCh38, 1-based): chr1:2,406,579, A>G on the plus strand (T>C on the coding strand, the complement: PEX10 is on the minus strand). VCF-style: chr1-2406579-A-G. GRCh37 (hg19) VCF-style: chr1-2338018-A-G.
Other names: c.874T>C, p.Cys292Arg (NM_001374425.1); c.442T>C, p.Cys148Arg (NM_001374426.1); c.385T>C, p.Cys129Arg (NM_001374427.1); c.877T>C, p.Cys293Arg (NM_153818.2); short protein forms C129R, C148R, C273R, C292R, C293R.
Identifiers: ClinVar variation 2126087 (VCV002126087.4), dbSNP rs747389749, ClinGen allele CA538005.
Genomic context (GRCh38, chr1:2,406,579, plus strand): 5'-AGAACAGGTGGCCGCAGGGCGTGGCTGTTGGGTGCCTGCGCTCCTCCAGGCACAGGGTGC[A>G]CAGGGGGTTTCTGGAAACGGCTCTCTCCTCCAAGGAGGCCCTGGGGAAGGTGGGGCAGAG-3'
Protein context (NP_002608.1, residues 263-283): EERAVSRNPL[Cys273Arg]TLCLEERRHP

ClinVar aggregate classification (germline): Uncertain significance (1 of 4 stars; one submission).

Conditions:
Peroxisome biogenesis disorder, complementation group 7 (CG7). Also called: Peroxisome biogenesis disorder, complementation group B. Identifiers: MedGen C1864399.

Allele frequency attached by ClinVar (database versions not stated): gnomAD exomes below 0.00001; ExAC 0.00001.

Submission:

Labcorp Genetics (formerly Invitae), Labcorp
Classification: Uncertain significance for Peroxisome biogenesis disorder, complementation group 7. Last evaluated: 2022-04-13. Review status: criteria provided, single submitter. Criteria: Invitae Variant Classification Sherloc (09022015). Collection method: clinical testing. Allele origin: germline.
Comment: In summary, the available evidence is currently insufficient to determine the role of this variant in disease. Therefore, it has been classified as a Variant of Uncertain Significance. Algorithms developed to predict the effect of missense changes on protein structure and function (SIFT, PolyPhen-2, Align-GVGD) all suggest that this variant is likely to be disruptive. This variant has not been reported in the literature in individuals affected with PEX10-related conditions. This variant is present in population databases (rs747389749, gnomAD 0.006%). This sequence change replaces cysteine, which is neutral and slightly polar, with arginine, which is basic and polar, at codon 293 of the PEX10 protein (p.Cys293Arg).